The following is an entry in ClinVar:

NM_018671.5(UNC45A):c.1313T>A (p.Val438Asp)

Gene: UNC45A (unc-45 myosin chaperone A; plus strand). Cytogenetic location: 15q26.1.
Variant type: single nucleotide variant.
Coding change: c.1313T>A on transcript NM_018671.5 (MANE Select); coding-DNA position 1313, T replaced by A.
Protein change: p.Val438Asp; replaces valine 438 with aspartic acid.
Molecular consequence: missense variant.
Genome position (GRCh38, 1-based): chr15:90,946,727, T>A. VCF-style: chr15-90946727-T-A. GRCh37 (hg19) VCF-style: chr15-91489957-T-A.
Other names: c.1268T>A, p.Val423Asp (NM_001039675.2, NM_001323621.2); c.1313T>A, p.Val438Asp (NM_001323619.1); c.878T>A, p.Val293Asp (NM_001323620.2); short protein forms V423D, V293D, V438D.
Identifiers: ClinVar variation 1164082 (VCV001164082.8), dbSNP rs1416841683, ClinGen allele CA393856720.

ClinVar aggregate classification (germline): Uncertain significance. Review status: criteria provided, single submitter (1 of 4 stars). 2 submissions from 2 submitters: Uncertain significance (1). 1 of the submissions does not count toward it. Last evaluated 2022-09-01.

Conditions:
Osteootohepatoenteric syndrome. Identifiers: MedGen C5543557, MONDO:0859164, OMIM 619377.

Allele frequency attached by ClinVar (database versions not stated): TOPMed below 0.00001; gnomAD 0.00001.

Submissions (2):

Labcorp Genetics (formerly Invitae), Labcorp
Classification: Uncertain significance. Last evaluated: 2022-09-01. Review status: criteria provided, single submitter. Criteria: Invitae Variant Classification Sherloc (09022015). Collection method: clinical testing. Allele origin: germline.
Comment: This sequence change replaces valine, which is neutral and non-polar, with aspartic acid, which is acidic and polar, at codon 438 of the UNC45A protein (p.Val438Asp). This variant is not present in population databases (gnomAD no frequency). This missense change has been observed in individual(s) with intractable diarrhea and deafness (PMID: 29429573, 31231135). In at least one individual the data is consistent with being in trans (on the opposite chromosome) from a pathogenic variant. This variant is also known as c.1268T>A (p.Val423Asp). ClinVar contains an entry for this variant (Variation ID: 1164082). Algorithms developed to predict the effect of missense changes on protein structure and function are either unavailable or do not agree on the potential impact of this missense change (SIFT: "Not Available"; PolyPhen-2: "Probably Damaging"; Align-GVGD: "Not Available"). Experimental studies have shown that this missense change affects UNC45A function (PMID: 29429573). In summary, the available evidence is currently insufficient to determine the role of this variant in disease. Therefore, it has been classified as a Variant of Uncertain Significance.

OMIM
Classification: Pathogenic for OSTEOOTOHEPATOENTERIC SYNDROME. Last evaluated: 2021-06-15. Review status: no assertion criteria provided. Collection method: literature only. Allele origin: germline. Not counted in ClinVar's aggregate classification.

Literature cited by the submitters: PubMed 29429573 (cited by Labcorp Genetics (formerly Invitae), Labcorp and OMIM); PubMed 31231135 (cited by Labcorp Genetics (formerly Invitae), Labcorp).